The following is an entry in ClinVar:

ClinVar aggregate classification (germline): Uncertain significance. Review status: criteria provided, multiple submitters, no conflicts (2 of 4 stars). 2 submissions from 2 submitters: Uncertain significance (2). Last evaluated 2026-09-17.

Conditions:
Atypical hemolytic-uremic syndrome. Identifiers: Orphanet 2134, MedGen C2931788, MONDO:0016244.

Allele frequency attached by ClinVar (database versions not stated): gnomAD exomes below 0.00001; TOPMed below 0.00001; gnomAD 0.00001.
gnomAD v4.1: 3 of 1,612,418 alleles (0.00019%); highest among the groups gnomAD compares: Admixed American, 0.0033%; no homozygotes.

Submissions (2):

Genomenon, Inc
Classification: Uncertain significance for Atypical hemolytic-uremic syndrome. Last evaluated: 2026-09-17. Review status: criteria provided, single submitter. Criteria: Genomenon Sequence Variant Interpretation Standards - Updated. Collection method: curation. Allele origin: germline. Affected: yes.
Comment: CFH p.Gly549Ala (c.1646G>C) is a missense variant that changes the amino acid at codon 549 from glycine to alanine. This variant has been observed in at least one proband affected with atypical hemolytic-uremic syndrome (PMID: 28840254). It is absent or not present at a significant frequency in gnomAD. In conclusion, we classify CFH p.Gly549Ala (c.1646G>C) as a variant of uncertain significance.

Labcorp Genetics (formerly Invitae), Labcorp
Classification: Uncertain significance. Last evaluated: 2021-04-22. Review status: criteria provided, single submitter. Criteria: Invitae Variant Classification Sherloc (09022015). Collection method: clinical testing. Allele origin: germline.
Comment: In summary, the available evidence is currently insufficient to determine the role of this variant in disease. Therefore, it has been classified as a Variant of Uncertain Significance. This variant is not present in population databases (ExAC no frequency). This variant has not been reported in the literature in individuals with CFH-related conditions. Algorithms developed to predict the effect of missense changes on protein structure and function are either unavailable or do not agree on the potential impact of this missense change (SIFT: "Tolerated"; PolyPhen-2: "Possibly Damaging"; Align-GVGD: "Class C0"). This sequence change replaces glycine with alanine at codon 549 of the CFH protein (p.Gly549Ala). The glycine residue is moderately conserved and there is a small physicochemical difference between glycine and alanine.

Literature cited by the submitters: PubMed 28840254 (cited by Genomenon, Inc).

NM_000186.4(CFH):c.1646G>C (p.Gly549Ala)

Gene: CFH (complement factor H; plus strand). Cytogenetic location: 1q31.3.
Variant type: single nucleotide variant.
Coding change: c.1646G>C on transcript NM_000186.4 (MANE Select); coding-DNA position 1646, G replaced by C.
Protein change: p.Gly549Ala; replaces glycine 549 with alanine.
Molecular consequence: missense variant.
Genome position (GRCh38, 1-based): chr1:196,715,719, G>C. VCF-style: chr1-196715719-G-C. GRCh37 (hg19) VCF-style: chr1-196684849-G-C.
Other names: short protein forms G549A.
Identifiers: ClinVar variation 1513726 (VCV001513726.9), dbSNP rs981242135, ClinGen allele CA35851969.
Genomic context (GRCh38, chr1:196,715,719, plus strand): 5'-ATGACACATTGGACTATGAATGCCATGATGGTTATGAAAGCAATACTGGAAGCACCACTG[G>C]TTCCATAGTGTGTGGTTACAATGGTTGGTCTGATTTACCCATATGTTATGGTAAGTACTG-3'
Protein context (NP_000177.2, residues 539-559): GYESNTGSTT[Gly549Ala]SIVCGYNGWS